The following is an entry in ClinVar:

ClinVar aggregate classification (germline): Benign/Likely benign. Review status: criteria provided, multiple submitters, no conflicts (2 of 4 stars). 9 submissions from 8 submitters: Benign (8); Likely benign (1). Last evaluated 2026-02-01.

Conditions:
Connective tissue disorder. Also called: Connective tissue disease. Identifiers: MedGen C0009782, MONDO:0003900.
Short-rib thoracic dysplasia 7 with or without polydactyly (SRTD7). Also called: Short rib polydactyly syndrome 5; SHORT-RIB THORACIC DYSPLASIA 7 WITH POLYDACTYLY. Identifiers: Orphanet 498497, Orphanet 93271, MedGen C3279792, MONDO:0013569, OMIM 614091.
Cranioectodermal dysplasia 2 (CED2). Identifiers: Orphanet 1515, MedGen C3150874, MONDO:0013323, OMIM 613610.

Allele frequency attached by ClinVar (database versions not stated): 1000 Genomes Project 0.00519; 1000 Genomes Project 30x 0.00547; gnomAD 0.01103 and 0.01130; TOPMed 0.01209; ESP Exome Variant Server 0.01369.
gnomAD v4.1: 28,318 of 1,614,066 alleles (1.8%); highest among the groups gnomAD compares: Non-Finnish European, 2.2%; 329 homozygotes.

Submissions (9):

Labcorp Genetics (formerly Invitae), Labcorp
Classification: Benign for Cranioectodermal dysplasia 2; Short-rib thoracic dysplasia 7 with or without polydactyly. Last evaluated: 2026-02-01. Review status: criteria provided, single submitter. Criteria: Invitae Variant Classification Sherloc (09022015). Collection method: clinical testing. Allele origin: germline.

ARUP Laboratories, Molecular Genetics and Genomics, ARUP Laboratories
Classification: Benign. Last evaluated: 2025-05-23. Review status: criteria provided, single submitter. Criteria: ARUP Molecular Germline Variant Investigation Process 2024. Collection method: clinical testing. Allele origin: germline.

Blueprint Genetics
Classification: Likely benign. Last evaluated: 2024-11-26. Review status: criteria provided, single submitter. Criteria: ACMG Guidelines, 2015. Collection method: clinical testing. Allele origin: germline.

Mayo Clinic Laboratories, Mayo Clinic
Classification: Benign. Last evaluated: 2023-05-25. Review status: criteria provided, single submitter. Criteria: ACMG Guidelines, 2015. Collection method: clinical testing. Allele origin: germline. Observed: 5 variant alleles.
Comment: BS1, BS2

Genome Diagnostics Laboratory, The Hospital for Sick Children
Classification: Benign for Connective tissue disorder. Last evaluated: 2022-05-19. Review status: criteria provided, single submitter. Criteria: ACMG Guidelines, 2015. Collection method: clinical testing. Allele origin: germline.

GeneDx
Classification: Benign. Last evaluated: 2020-11-27. Review status: criteria provided, single submitter. Criteria: GeneDx Variant Classification Process June 2021. Collection method: clinical testing. Allele origin: germline. Affected: yes.

Illumina Laboratory Services, Illumina
Classification: Benign for Short-rib thoracic dysplasia 7 with or without polydactyly. Last evaluated: 2018-01-13. Review status: criteria provided, single submitter. Criteria: ICSL Variant Classification Criteria 13 December 2019. Collection method: clinical testing. Allele origin: germline.
Comment: This variant was observed in the ICSL laboratory as part of a predisposition screen in an ostensibly healthy population. It had not been previously curated by ICSL or reported in the Human Gene Mutation Database (HGMD: prior to June 1st, 2018), and was therefore a candidate for classification through an automated scoring system. Utilizing variant allele frequency, disease prevalence and penetrance estimates, and inheritance mode, an automated score was calculated to assess if this variant is too frequent to cause the disease. Based on the score and internal cut-off values, a variant classified as benign is not then subjected to further curation. The score for this variant resulted in a classification of benign for this disease.

Illumina Laboratory Services, Illumina
Classification: Benign for Cranioectodermal dysplasia 2. Last evaluated: 2018-01-13. Review status: criteria provided, single submitter. Criteria: ICSL Variant Classification Criteria 13 December 2019. Collection method: clinical testing. Allele origin: germline.
Comment: the same text as in the submission from Illumina Laboratory Services, Illumina above.

Breakthrough Genomics
Classification: Benign. Review status: criteria provided, single submitter. Criteria: ACMG Guidelines, 2015. Collection method: not provided. Allele origin: germline. Inheritance: Autosomal recessive inheritance. Affected: yes.

NM_020779.4(WDR35):c.3019C>T (p.Arg1007Cys)

Gene: WDR35 (WD repeat domain 35; minus strand). Cytogenetic location: 2p24.1.
Variant type: single nucleotide variant.
Coding change: c.3019C>T on transcript NM_020779.4 (MANE Select); coding-DNA position 3019, C replaced by T.
Protein change: p.Arg1007Cys; replaces arginine 1007 with cysteine.
Molecular consequence: missense variant.
Genome position (GRCh38, 1-based): chr2:19,930,498, G>A on the plus strand (C>T on the coding strand, the complement: WDR35 is on the minus strand). VCF-style: chr2-19930498-G-A. GRCh37 (hg19) VCF-style: chr2-20130259-G-A.
Other names: c.3052C>T, p.Arg1018Cys (NM_001006657.2); short protein forms R1018C, R1007C.
Identifiers: ClinVar variation 440414 (VCV000440414.35), dbSNP rs56395266, ClinGen allele CA1542764.